The following is an entry in ClinVar:

ClinVar aggregate classification (germline): Pathogenic (1 of 4 stars; one submission).

Conditions:
Mucolipidosis type II. Also called: ML II ALPHA/BETA; Mucolipidosis 2; ML 2; Inclusion cell disease; Leroy Disease; N-acetylglucosamine 1phosphotransferase deficiency. Identifiers: Orphanet 576, MedGen C2673377, MONDO:0009650, OMIM 252500.
Pseudo-Hurler polydystrophy. Also called: ML III; ML III ALPHA/BETA; Type III Mucolipidosis; ML IIIA; Mucolipidosis III Alpha/Beta; MUCOLIPIDOSIS IIIA. Identifiers: Orphanet 423461, Orphanet 577, MedGen C0033788, MONDO:0018931, OMIM 252600.

Submission:

Labcorp Genetics (formerly Invitae), Labcorp
Classification: Pathogenic for Pseudo-Hurler polydystrophy; Mucolipidosis type II. Last evaluated: 2023-07-09. Review status: criteria provided, single submitter. Criteria: Invitae Variant Classification Sherloc (09022015). Collection method: clinical testing. Allele origin: germline.
Comment: For these reasons, this variant has been classified as Pathogenic. This variant has not been reported in the literature in individuals affected with GNPTAB-related conditions. This variant is not present in population databases (gnomAD no frequency). This sequence change creates a premature translational stop signal (p.Gln1199*) in the GNPTAB gene. It is expected to result in an absent or disrupted protein product. Loss-of-function variants in GNPTAB are known to be pathogenic (PMID: 19617216, 25107912).

Literature cited by the submitters: PubMed 19617216; PubMed 25107912.

NM_024312.5(GNPTAB):c.3595C>T (p.Gln1199Ter)

Gene: GNPTAB (N-acetylglucosamine-1-phosphate transferase subunits alpha and beta; minus strand). Cytogenetic location: 12q23.2.
Variant type: single nucleotide variant.
Coding change: c.3595C>T on transcript NM_024312.5 (MANE Select); coding-DNA position 3595, C replaced by T.
Protein change: p.Gln1199Ter; replaces glutamine 1199 with a stop codon.
Molecular consequence: nonsense.
Genome position (GRCh38, 1-based): chr12:101,753,379, G>A on the plus strand (C>T on the coding strand, the complement: GNPTAB is on the minus strand). VCF-style: chr12-101753379-G-A. GRCh37 (hg19) VCF-style: chr12-102147157-G-A.
Other names: short protein forms Q1199*.
Identifiers: ClinVar variation 2949726 (VCV002949726.3), dbSNP rs2547949681, ClinGen allele CA386292125.